The following is an entry in ClinVar:

ClinVar aggregate classification (germline): Uncertain significance (1 of 4 stars; one submission).

gnomAD v4.1: 1 of 1,614,092 alleles (0.000062%); highest among the groups gnomAD compares: African/African-American, 0.0013%; no homozygotes.

Submission:

Labcorp Genetics (formerly Invitae), Labcorp
Classification: Uncertain significance. Last evaluated: 2022-03-18. Review status: criteria provided, single submitter. Criteria: Invitae Variant Classification Sherloc (09022015). Collection method: clinical testing. Allele origin: germline.
Comment: This variant has not been reported in the literature in individuals affected with IFT27-related conditions. Advanced modeling of protein sequence and biophysical properties (such as structural, functional, and spatial information, amino acid conservation, physicochemical variation, residue mobility, and thermodynamic stability) performed at Invitae indicates that this missense variant is expected to disrupt IFT27 protein function. In summary, the available evidence is currently insufficient to determine the role of this variant in disease. Therefore, it has been classified as a Variant of Uncertain Significance. This variant is not present in population databases (gnomAD no frequency). This sequence change replaces valine, which is neutral and non-polar, with alanine, which is neutral and non-polar, at codon 2 of the IFT27 protein (p.Val2Ala).

NM_001177701.3(IFT27):c.5T>C (p.Val2Ala)

Genes: IFT27 (intraflagellar transport 27; minus strand), LOC130067336 (ATAC-STARR-seq lymphoblastoid silent region 13671; plus strand). Cytogenetic location: 22q12.3.
Variant type: single nucleotide variant.
Coding change: c.5T>C on transcript NM_001177701.3 (MANE Select); coding-DNA position 5, T replaced by C.
Protein change: p.Val2Ala; replaces valine 2 with alanine.
Molecular consequence: missense variant. On other transcripts: non-coding transcript variant (1).
Genome position (GRCh38, 1-based): chr22:36,775,703, A>G on the plus strand (T>C on the coding strand, the complement: IFT27 is on the minus strand). VCF-style: chr22-36775703-A-G. GRCh37 (hg19) VCF-style: chr22-37171747-A-G.
Other names: c.5T>C, p.Val2Ala (NM_001363003.2, NM_006860.5); short protein forms V2A.
Identifiers: ClinVar variation 2113358 (VCV002113358.4), dbSNP rs1601505359, ClinGen allele CA411390132.